The following is an entry in ClinVar:

NM_001136035.4(TRMT1):c.1784C>G (p.Ala595Gly)

Gene: TRMT1 (tRNA methyltransferase 1; minus strand). Cytogenetic location: 19p13.13.
Variant type: single nucleotide variant.
Coding change: c.1784C>G on transcript NM_001136035.4 (MANE Select); coding-DNA position 1784, C replaced by G.
Protein change: p.Ala595Gly; replaces alanine 595 with glycine.
Molecular consequence: missense variant.
Genome position (GRCh38, 1-based): chr19:13,105,316, G>C on the plus strand (C>G on the coding strand, the complement: TRMT1 is on the minus strand). VCF-style: chr19-13105316-G-C. GRCh37 (hg19) VCF-style: chr19-13216130-G-C.
Other names: c.1697C>G, p.Ala566Gly (NM_001142554.3, NM_001351760.2); c.1676C>G, p.Ala559Gly (NM_001351761.2); c.1001C>G, p.Ala334Gly (NM_001351762.2); c.1784C>G, p.Ala595Gly (NM_017722.5); short protein forms A334G, A559G, A566G, A595G.
Identifiers: ClinVar variation 1306952 (VCV001306952.2), dbSNP rs139839545, ClinGen allele CA9237499.

ClinVar aggregate classification (germline): Uncertain significance (1 of 4 stars; one submission).

Allele frequency attached by ClinVar (database versions not stated): gnomAD exomes 0.00003 and 0.00007; ExAC 0.00011; TOPMed 0.00030; ESP Exome Variant Server 0.00046.
gnomAD v4.1: 82 of 1,613,954 alleles (0.0051%); highest among the groups gnomAD compares: African/African-American, 0.11%; no homozygotes.

Submission:

GeneDx
Classification: Uncertain significance. Last evaluated: 2022-12-16. Review status: criteria provided, single submitter. Criteria: GeneDx Variant Classification Process June 2021. Collection method: clinical testing. Allele origin: germline. Affected: yes.
Comment: In silico analysis supports that this missense variant does not alter protein structure/function; Has not been previously published as pathogenic or benign to our knowledge; This variant is associated with the following publications: (PMID: 27535533)